The following is an entry in ClinVar:

ClinVar aggregate classification (germline): Uncertain significance (1 of 4 stars; one submission).

Allele frequency attached by ClinVar (database versions not stated): gnomAD 0.00001; ExAC 0.00002; TOPMed 0.00002; gnomAD exomes 0.00003.
gnomAD v4.1: 17 of 1,614,058 alleles (0.0011%); highest among the groups gnomAD compares: Non-Finnish European, 0.0014%; no homozygotes.

Submission:

Labcorp Genetics (formerly Invitae), Labcorp
Classification: Uncertain significance. Last evaluated: 2026-01-16. Review status: criteria provided, single submitter. Criteria: Invitae Variant Classification Sherloc (09022015). Collection method: clinical testing. Allele origin: germline.
Comment: This sequence change replaces leucine, which is neutral and non-polar, with phenylalanine, which is neutral and non-polar, at codon 961 of the ALPK1 protein (p.Leu961Phe). This variant is present in population databases (rs767938483, gnomAD 0.002%). This variant has not been reported in the literature in individuals affected with ALPK1-related conditions. ClinVar contains an entry for this variant (Variation ID: 1941218). Invitae Evidence Modeling of protein sequence and biophysical properties (such as structural, functional, and spatial information, amino acid conservation, physicochemical variation, residue mobility, and thermodynamic stability) has been performed for this missense variant. However, the output from this modeling did not meet the statistical confidence thresholds required to predict the impact of this variant on ALPK1 protein function. In summary, the available evidence is currently insufficient to determine the role of this variant in disease. Therefore, it has been classified as a Variant of Uncertain Significance.

NM_025144.4(ALPK1):c.2883G>T (p.Leu961Phe)

Gene: ALPK1 (alpha kinase 1; plus strand). Cytogenetic location: 4q25.
Variant type: single nucleotide variant.
Coding change: c.2883G>T on transcript NM_025144.4 (MANE Select); coding-DNA position 2883, G replaced by T.
Protein change: p.Leu961Phe; replaces leucine 961 with phenylalanine.
Molecular consequence: missense variant.
Genome position (GRCh38, 1-based): chr4:112,432,430, G>T. VCF-style: chr4-112432430-G-T. GRCh37 (hg19) VCF-style: chr4-113353586-G-T.
Other names: c.2883G>T, p.Leu961Phe (NM_001102406.2); c.2649G>T, p.Leu883Phe (NM_001253884.2); short protein forms L883F, L961F.
Identifiers: ClinVar variation 1941218 (VCV001941218.5), dbSNP rs767938483, ClinGen allele CA3047007.